The following is an entry in ClinVar:

ClinVar aggregate classification (germline): Uncertain significance (1 of 4 stars; one submission).

Submission:

Labcorp Genetics (formerly Invitae), Labcorp
Classification: Uncertain significance. Last evaluated: 2022-08-09. Review status: criteria provided, single submitter. Criteria: Invitae Variant Classification Sherloc (09022015). Collection method: clinical testing. Allele origin: germline.
Comment: This sequence change falls in intron 9 of the ERCC2 gene. It does not directly change the encoded amino acid sequence of the ERCC2 protein. This variant is not present in population databases (gnomAD no frequency). This variant has not been reported in the literature in individuals affected with ERCC2-related conditions. Algorithms developed to predict the effect of sequence changes on RNA splicing suggest that this variant may create or strengthen a splice site. In summary, the available evidence is currently insufficient to determine the role of this variant in disease. Therefore, it has been classified as a Variant of Uncertain Significance.

NM_000400.4(ERCC2):c.816-5C>A

Gene: ERCC2 (ERCC excision repair 2, TFIIH core complex helicase subunit; minus strand). Cytogenetic location: 19q13.32.
Variant type: single nucleotide variant.
Coding change: c.816-5C>A on transcript NM_000400.4 (MANE Select); 5 bases into the intron before coding-DNA position 816, C replaced by A.
Molecular consequence: intron variant.
Genome position (GRCh38, 1-based): chr19:45,364,124, G>T on the plus strand (C>A on the coding strand, the complement: ERCC2 is on the minus strand). VCF-style: chr19-45364124-G-T. GRCh37 (hg19) VCF-style: chr19-45867382-G-T.
Other names: c.744-5C>A (NM_001130867.2).
Identifiers: ClinVar variation 2105008 (VCV002105008.4), dbSNP rs1407965161, ClinGen allele CA9513605.